The following is an entry in ClinVar:

ClinVar aggregate classification (germline): Uncertain significance (1 of 4 stars; one submission).

gnomAD v4.1: 2 of 1,614,000 alleles (0.00012%); highest among the groups gnomAD compares: Non-Finnish European, 0.00017%; no homozygotes.

Submission:

Labcorp Genetics (formerly Invitae), Labcorp
Classification: Uncertain significance. Last evaluated: 2025-11-09. Review status: criteria provided, single submitter. Criteria: Invitae Variant Classification Sherloc (09022015). Collection method: clinical testing. Allele origin: germline.
Comment: This sequence change replaces alanine, which is neutral and non-polar, with threonine, which is neutral and polar, at codon 2040 of the POLE protein (p.Ala2040Thr). This variant is not present in population databases (gnomAD no frequency). This variant has not been reported in the literature in individuals affected with POLE-related conditions. Invitae Evidence Modeling of protein sequence and biophysical properties (such as structural, functional, and spatial information, amino acid conservation, physicochemical variation, residue mobility, and thermodynamic stability) indicates that this missense variant is not expected to disrupt POLE protein function with a negative predictive value of 80%. In summary, the available evidence is currently insufficient to determine the role of this variant in disease. Therefore, it has been classified as a Variant of Uncertain Significance.

NM_006231.4(POLE):c.6118G>A (p.Ala2040Thr)

Gene: POLE (DNA polymerase epsilon, catalytic subunit; minus strand). Cytogenetic location: 12q24.33.
Variant type: single nucleotide variant.
Coding change: c.6118G>A on transcript NM_006231.4 (MANE Select); coding-DNA position 6118, G replaced by A.
Protein change: p.Ala2040Thr; replaces alanine 2040 with threonine.
Molecular consequence: missense variant.
Genome position (GRCh38, 1-based): chr12:132,632,682, C>T on the plus strand (G>A on the coding strand, the complement: POLE is on the minus strand). VCF-style: chr12-132632682-C-T. GRCh37 (hg19) VCF-style: chr12-133209268-C-T.
Other names: short protein forms A2040T.
Identifiers: ClinVar variation 4738367 (VCV004738367.1).